The following is an entry in ClinVar:

ClinVar aggregate classification (germline): Likely pathogenic (1 of 4 stars; one submission).

Conditions:
Rubinstein-Taybi syndrome due to EP300 haploinsufficiency. Also called: EP300-Related Rubinstein-Taybi Syndrome; RUBINSTEIN-TAYBI SYNDROME 2. Identifiers: Orphanet 353284, Orphanet 783, MedGen C3150941, MONDO:0013364, OMIM 613684.

Submission:

Labcorp Genetics (formerly Invitae), Labcorp
Classification: Likely pathogenic for Rubinstein-Taybi syndrome due to EP300 haploinsufficiency. Last evaluated: 2022-05-29. Review status: criteria provided, single submitter. Criteria: Invitae Variant Classification Sherloc (09022015). Collection method: clinical testing. Allele origin: germline.
Comment: This sequence change affects an acceptor splice site in intron 26 of the EP300 gene. It is expected to disrupt RNA splicing. Variants that disrupt the donor or acceptor splice site typically lead to a loss of protein function (PMID: 16199547), and loss-of-function variants in EP300 are known to be pathogenic (PMID: 15706485, 24476420). This variant is not present in population databases (gnomAD no frequency). Disruption of this splice site has been observed in individual(s) with Rubinstein-Taybi syndrome (PMID: 26486927). Algorithms developed to predict the effect of sequence changes on RNA splicing suggest that this variant may disrupt the consensus splice site. In summary, the currently available evidence indicates that the variant is pathogenic, but additional data are needed to prove that conclusively. Therefore, this variant has been classified as Likely Pathogenic.

Literature cited by the submitters: PubMed 16199547; PubMed 15706485; PubMed 24476420; PubMed 26486927.

NM_001429.4(EP300):c.4287-1G>T

Gene: EP300 (EP300 lysine acetyltransferase; plus strand). Cytogenetic location: 22q13.2.
Variant type: single nucleotide variant.
Coding change: c.4287-1G>T on transcript NM_001429.4 (MANE Select); the canonical splice acceptor site of the intron before coding-DNA position 4287, G replaced by T.
Molecular consequence: splice acceptor variant.
Genome position (GRCh38, 1-based): chr22:41,170,405, G>T. VCF-style: chr22-41170405-G-T. GRCh37 (hg19) VCF-style: chr22-41566409-G-T.
Other names: c.4209-1G>T (NM_001362843.2).
Identifiers: ClinVar variation 2000799 (VCV002000799.4), dbSNP rs2517823890, ClinGen allele CA411702021.